The following is an entry in ClinVar:

ClinVar aggregate classification (germline): Uncertain significance (1 of 4 stars; one submission).

gnomAD v4.1: 1 of 1,601,890 alleles (0.000062%); highest among the groups gnomAD compares: African/African-American, 0.0013%; no homozygotes.

Submission:

Labcorp Genetics (formerly Invitae), Labcorp
Classification: Uncertain significance. Last evaluated: 2022-07-25. Review status: criteria provided, single submitter. Criteria: Invitae Variant Classification Sherloc (09022015). Collection method: clinical testing. Allele origin: germline.
Comment: In summary, the available evidence is currently insufficient to determine the role of this variant in disease. Therefore, it has been classified as a Variant of Uncertain Significance. Algorithms developed to predict the effect of missense changes on protein structure and function are either unavailable or do not agree on the potential impact of this missense change (SIFT: "Tolerated"; PolyPhen-2: "Probably Damaging"; Align-GVGD: "Class C15"). ClinVar contains an entry for this variant (Variation ID: 1440394). This variant has not been reported in the literature in individuals affected with TNFRSF9-related conditions. This variant is not present in population databases (gnomAD no frequency). This sequence change replaces phenylalanine, which is neutral and non-polar, with serine, which is neutral and polar, at codon 72 of the TNFRSF9 protein (p.Phe72Ser).

NM_001561.6(TNFRSF9):c.215T>C (p.Phe72Ser)

Gene: TNFRSF9 (TNF receptor superfamily member 9; minus strand). Cytogenetic location: 1p36.23.
Variant type: single nucleotide variant.
Coding change: c.215T>C on transcript NM_001561.6 (MANE Select); coding-DNA position 215, T replaced by C.
Protein change: p.Phe72Ser; replaces phenylalanine 72 with serine.
Molecular consequence: missense variant.
Genome position (GRCh38, 1-based): chr1:7,938,324, A>G on the plus strand (T>C on the coding strand, the complement: TNFRSF9 is on the minus strand). VCF-style: chr1-7938324-A-G. GRCh37 (hg19) VCF-style: chr1-7998384-A-G.
Other names: short protein forms F72S.
Identifiers: ClinVar variation 1440394 (VCV001440394.6), dbSNP rs2151420079, ClinGen allele CA338160581.
Genomic context (GRCh38, chr1:7,938,324, plus strand): 5'-AACCCTGGAGTGCAGTCACACTCTGCATTGCTGGTGGAGGAACACTCCTTCCTGGTCCTG[A>G]AAACACCTACAAAGTCCCCCCAGCCCCCAACATTTTATTACACTTGACCTCCAAATCCAG-3'
Protein context (NP_001552.2, residues 62-82): CDICRQCKGV[Phe72Ser]RTRKECSSTS